The following is an entry in ClinVar:

ClinVar aggregate classification (germline): Uncertain significance (1 of 4 stars; one submission).

Conditions:
Hereditary spastic paraplegia 75. Also called: Spastic paraplegia 75, autosomal recessive. Identifiers: Orphanet 459056, MedGen C4225250, MONDO:0014729, OMIM 616680.

Submission:

Labcorp Genetics (formerly Invitae), Labcorp
Classification: Uncertain significance for Hereditary spastic paraplegia 75. Last evaluated: 2025-06-16. Review status: criteria provided, single submitter. Criteria: Invitae Variant Classification Sherloc (09022015). Collection method: clinical testing. Allele origin: germline.
Comment: This sequence change replaces tyrosine, which is neutral and polar, with cysteine, which is neutral and slightly polar, at codon 398 of the MAG protein (p.Tyr398Cys). This variant is not present in population databases (gnomAD no frequency). This variant has not been reported in the literature in individuals affected with MAG-related conditions. ClinVar contains an entry for this variant (Variation ID: 1507805). Invitae Evidence Modeling of protein sequence and biophysical properties (such as structural, functional, and spatial information, amino acid conservation, physicochemical variation, residue mobility, and thermodynamic stability) indicates that this missense variant is not expected to disrupt MAG protein function with a negative predictive value of 80%. In summary, the available evidence is currently insufficient to determine the role of this variant in disease. Therefore, it has been classified as a Variant of Uncertain Significance.

NM_002361.4(MAG):c.1193A>G (p.Tyr398Cys)

Gene: MAG (myelin associated glycoprotein; plus strand). Cytogenetic location: 19q13.12.
Variant type: single nucleotide variant.
Coding change: c.1193A>G on transcript NM_002361.4 (MANE Select); coding-DNA position 1193, A replaced by G.
Protein change: p.Tyr398Cys; replaces tyrosine 398 with cysteine.
Molecular consequence: missense variant.
Genome position (GRCh38, 1-based): chr19:35,302,670, A>G. VCF-style: chr19-35302670-A-G. GRCh37 (hg19) VCF-style: chr19-35793573-A-G.
Other names: c.1118A>G, p.Tyr373Cys (NM_001199216.2); c.1193A>G, p.Tyr398Cys (NM_080600.3); short protein forms Y398C, Y373C.
Identifiers: ClinVar variation 1507805 (VCV001507805.8), dbSNP rs2145615651, ClinGen allele CA405313709.